The following is an entry in ClinVar:

NM_000834.5(GRIN2B):c.3334C>T (p.Arg1112Ter)

Gene: GRIN2B (glutamate ionotropic receptor NMDA type subunit 2B; minus strand). Cytogenetic location: 12p13.1.
Variant type: single nucleotide variant.
Coding change: c.3334C>T on transcript NM_000834.5 (MANE Select); coding-DNA position 3334, C replaced by T.
Protein change: p.Arg1112Ter; replaces arginine 1112 with a stop codon.
Molecular consequence: nonsense.
Genome position (GRCh38, 1-based): chr12:13,563,904, G>A on the plus strand (C>T on the coding strand, the complement: GRIN2B is on the minus strand). VCF-style: chr12-13563904-G-A. GRCh37 (hg19) VCF-style: chr12-13716838-G-A.
Other names: c.3334C>T, p.Arg1112Ter (NM_001413992.1); short protein forms R1112*.
Identifiers: ClinVar variation 5016769 (VCV005016769.1).

ClinVar aggregate classification (germline): Pathogenic (1 of 4 stars; one submission).

Submission:

GeneDx
Classification: Pathogenic. Last evaluated: 2026-03-23. Review status: criteria provided, single submitter. Criteria: GeneDx Variant Classification Process June 2021. Collection method: clinical testing. Allele origin: germline.
Comment: Nonsense variant predicted to result in protein truncation, as the last 373 amino acids are lost, and other loss-of-function variants have been reported downstream in HGMD; Not observed at significant frequency in large population cohorts (gnomAD); Has not been previously published as pathogenic or benign to our knowledge